The following is an entry in ClinVar:

ClinVar aggregate classification (germline): Pathogenic (1 of 4 stars; one submission).

Conditions:
Kleefstra syndrome 1 (KLEFS1). Identifiers: Orphanet 261494, MedGen C0795833, MONDO:0027407, OMIM 610253.

Submission:

Labcorp Genetics (formerly Invitae), Labcorp
Classification: Pathogenic for Kleefstra syndrome 1. Last evaluated: 2023-08-28. Review status: criteria provided, single submitter. Criteria: Invitae Variant Classification Sherloc (09022015). Collection method: clinical testing. Allele origin: germline.
Comment: For these reasons, this variant has been classified as Pathogenic. This variant has not been reported in the literature in individuals affected with EHMT1-related conditions. This variant is not present in population databases (gnomAD no frequency). This sequence change creates a premature translational stop signal (p.Leu957Profs*220) in the EHMT1 gene. It is expected to result in an absent or disrupted protein product. Loss-of-function variants in EHMT1 are known to be pathogenic (PMID: 16826528, 19264732).

Literature cited by the submitters: PubMed 16826528; PubMed 19264732.

NM_024757.5(EHMT1):c.2867dup (p.Leu957fs)

Gene: EHMT1 (euchromatic histone lysine methyltransferase 1; plus strand). Cytogenetic location: 9q34.3.
Variant type: Duplication.
Coding change: c.2867dup on transcript NM_024757.5 (MANE Select); coding-DNA position 2867, one base duplicated (T; older notation c.2867dupT).
Protein change: p.Leu957fs; shifts the reading frame from leucine 957.
Molecular consequence: frameshift variant.
Genome position (GRCh38, 1-based): chr9:137,811,615, T duplicated. VCF-style (leftmost placement, unchanged base first): chr9-137811614-G-GT. GRCh37 (hg19) VCF-style: chr9-140706066-G-GT.
Other names: c.2846dup, p.Leu950fs (NM_001354263.2); short protein forms L950fs, L957fs.
Identifiers: ClinVar variation 2756071 (VCV002756071.3), dbSNP rs2538623019, ClinGen allele CA2697558247.